The following is an entry in ClinVar:

ClinVar aggregate classification (germline): Benign. Review status: criteria provided, multiple submitters, no conflicts (2 of 4 stars). 3 submissions from 3 submitters: Benign (3). Last evaluated 2026-03-25.

Conditions:
EXOSC2-related disorder. Also called: EXOSC2-related condition.

Allele frequency attached by ClinVar (database versions not stated): ESP Exome Variant Server 0.00023; gnomAD exomes 0.00254 and 0.00803; gnomAD 0.00290 and 0.00391; TOPMed 0.00429; ExAC 0.00746; 1000 Genomes Project 30x 0.01577; 1000 Genomes Project 0.01737.
gnomAD v4.1: 4,665 of 1,614,020 alleles (0.29%); highest among the groups gnomAD compares: East Asian, 8.1%; 181 homozygotes.

Submissions (3):

PreventionGenetics, part of Exact Sciences
Classification: Benign for EXOSC2-related condition. Last evaluated: 2026-03-25. Review status: criteria provided, single submitter. Criteria: ACMG Guidelines, 2015. Collection method: clinical testing. Allele origin: germline.
Comment: This variant is classified as benign based on ACMG/AMP sequence variant interpretation guidelines (Richards et al. 2015 PMID: 25741868, with internal and published modifications).

Labcorp Genetics (formerly Invitae), Labcorp
Classification: Benign. Last evaluated: 2026-02-01. Review status: criteria provided, single submitter. Criteria: Invitae Variant Classification Sherloc (09022015). Collection method: clinical testing. Allele origin: germline.

Breakthrough Genomics
Classification: Benign. Review status: criteria provided, single submitter. Criteria: ACMG Guidelines, 2015. Collection method: not provided. Allele origin: germline. Inheritance: Autosomal recessive inheritance. Affected: yes.

NM_014285.7(EXOSC2):c.429T>C (p.Ala143=)

Gene: EXOSC2 (exosome component 2; plus strand). Cytogenetic location: 9q34.12.
Variant type: single nucleotide variant.
Coding change: c.429T>C on transcript NM_014285.7 (MANE Select); coding-DNA position 429, T replaced by C.
Protein change: p.Ala143=; no amino-acid change (alanine 143 retained).
Molecular consequence: synonymous variant. On other transcripts: intron variant (1).
Genome position (GRCh38, 1-based): chr9:130,700,869, T>C. VCF-style: chr9-130700869-T-C. GRCh37 (hg19) VCF-style: chr9-133576256-T-C.
Other names: c.339T>C, p.Ala113= (NM_001282709.1); c.427-1274T>C (NM_001282708.1).
Identifiers: ClinVar variation 779928 (VCV000779928.13), dbSNP rs117012336, ClinGen allele CA5284871.